The following is an entry in ClinVar:

ClinVar aggregate classification (germline): Uncertain significance (1 of 4 stars; one submission).

Conditions:
Cardiovascular phenotype. Identifiers: MedGen CN230736.

Submission:

Ambry Genetics
Classification: Uncertain significance for Cardiovascular phenotype. Last evaluated: 2026-06-29. Review status: criteria provided, single submitter. Criteria: Ambry Variant Classification Scheme 2023. Collection method: clinical testing. Allele origin: germline.
Comment: The p.E896K variant (also known as c.2686G>A), located in coding exon 11 of the RBM20 gene, results from a G to A substitution at nucleotide position 2686. The glutamic acid at codon 896 is replaced by lysine, an amino acid with similar properties. This variant was reported in individual(s) with features consistent with dilated cardiomyopathy (Perret C et al. Clin Genet, 2024 Feb;105:185-189). This amino acid position is well conserved in available vertebrate species. In addition, the in silico prediction for this alteration is inconclusive. Based on the available evidence, the clinical significance of this variant remains unclear.

Literature cited by the submitters: PubMed 37904629.

NM_001134363.3(RBM20):c.2686G>A (p.Glu896Lys)

Gene: RBM20 (RNA binding motif protein 20; plus strand). Cytogenetic location: 10q25.2.
Variant type: single nucleotide variant.
Coding change: c.2686G>A on transcript NM_001134363.3 (MANE Select); coding-DNA position 2686, G replaced by A.
Protein change: p.Glu896Lys; replaces glutamic acid 896 with lysine.
Molecular consequence: missense variant.
Genome position (GRCh38, 1-based): chr10:110,821,305, G>A. VCF-style: chr10-110821305-G-A. GRCh37 (hg19) VCF-style: chr10-112581063-G-A.
Other names: short protein forms E896K.
Identifiers: ClinVar variation 5028012 (VCV005028012.1).
Genomic context (GRCh38, chr10:110,821,305, plus strand): 5'-CTCTGACCTCCATTCTGCATTTTTGTACAGGAACAAGATTGGGAGAGTGAAAGTGAGGCA[G>A]AGGGGGAGAGCTGGTATCCCACTAACATGGAGGAGCTGGTGACAGTGGACGAGGTTGGGG-3'
Protein context (NP_001127835.2, residues 886-906): EQDWESESEA[Glu896Lys]GESWYPTNME